The following is an entry in ClinVar:

ClinVar aggregate classification (germline): Uncertain significance (1 of 4 stars; one submission).

Submission:

Labcorp Genetics (formerly Invitae), Labcorp
Classification: Uncertain significance. Last evaluated: 2022-10-26. Review status: criteria provided, single submitter. Criteria: Invitae Variant Classification Sherloc (09022015). Collection method: clinical testing. Allele origin: germline.
Comment: In summary, the available evidence is currently insufficient to determine the role of this variant in disease. Therefore, it has been classified as a Variant of Uncertain Significance. Experimental studies and prediction algorithms are not available or were not evaluated, and the functional significance of this variant is currently unknown. This sequence change replaces glycine, which is neutral and non-polar, with valine, which is neutral and non-polar, at codon 247 of the FOXI3 protein (p.Gly247Val). This variant is not present in population databases (gnomAD no frequency). This variant has not been reported in the literature in individuals affected with FOXI3-related conditions.

NM_001135649.3(FOXI3):c.740G>T (p.Gly247Val)

Gene: FOXI3 (forkhead box I3; minus strand). Cytogenetic location: 2p11.2.
Variant type: single nucleotide variant.
Coding change: c.740G>T on transcript NM_001135649.3 (MANE Select); coding-DNA position 740, G replaced by T.
Protein change: p.Gly247Val; replaces glycine 247 with valine.
Molecular consequence: missense variant.
Genome position (GRCh38, 1-based): chr2:88,448,730, C>A on the plus strand (G>T on the coding strand, the complement: FOXI3 is on the minus strand). VCF-style: chr2-88448730-C-A. GRCh37 (hg19) VCF-style: chr2-88748249-C-A.
Other names: short protein forms G247V.
Identifiers: ClinVar variation 1721971 (VCV001721971.5), dbSNP rs1326862853, ClinGen allele CA347765369.